The following is an entry in ClinVar:

ClinVar aggregate classification (germline): Uncertain significance (1 of 4 stars; one submission).

Allele frequency attached by ClinVar (database versions not stated): TOPMed 0.00002; ExAC 0.00004; gnomAD 0.00004; gnomAD exomes 0.00005.

Submission:

Labcorp Genetics (formerly Invitae), Labcorp
Classification: Uncertain significance. Last evaluated: 2022-03-15. Review status: criteria provided, single submitter. Criteria: Invitae Variant Classification Sherloc (09022015). Collection method: clinical testing. Allele origin: germline.
Comment: In summary, the available evidence is currently insufficient to determine the role of this variant in disease. Therefore, it has been classified as a Variant of Uncertain Significance. Algorithms developed to predict the effect of missense changes on protein structure and function are either unavailable or do not agree on the potential impact of this missense change (SIFT: "Deleterious"; PolyPhen-2: "Probably Damaging"; Align-GVGD: "Class C0"). This missense change has been observed in individual(s) with clinical features of dyslipidemia (PMID: 32041611). This variant is present in population databases (rs746165846, gnomAD 0.006%). This sequence change replaces histidine, which is basic and polar, with tyrosine, which is neutral and polar, at codon 263 of the LMF1 protein (p.His263Tyr).

Literature cited by the submitters: PubMed 32041611.

NM_022773.4(LMF1):c.787C>T (p.His263Tyr)

Gene: LMF1 (lipase maturation factor 1; minus strand). Cytogenetic location: 16p13.3.
Variant type: single nucleotide variant.
Coding change: c.787C>T on transcript NM_022773.4 (MANE Select); coding-DNA position 787, C replaced by T.
Protein change: p.His263Tyr; replaces histidine 263 with tyrosine.
Molecular consequence: missense variant. On other transcripts: non-coding transcript variant (1).
Genome position (GRCh38, 1-based): chr16:879,680, G>A on the plus strand (C>T on the coding strand, the complement: LMF1 is on the minus strand). VCF-style: chr16-879680-G-A. GRCh37 (hg19) VCF-style: chr16-929680-G-A.
Other names: c.136C>T, p.His46Tyr (NM_001352017.2, NM_001352021.2); c.388C>T, p.His130Tyr (NM_001352018.2); c.460C>T, p.His154Tyr (NM_001352019.2); c.787C>T, p.His263Tyr (NM_001352020.1); short protein forms H154Y, H263Y, H46Y, H130Y.
Identifiers: ClinVar variation 2172062 (VCV002172062.4), dbSNP rs746165846, ClinGen allele CA7797366.